The following is an entry in ClinVar:

NM_000478.6(ALPL):c.841del (p.His281fs)

Gene: ALPL (alkaline phosphatase, biomineralization associated; plus strand). Cytogenetic location: 1p36.12.
Variant type: Deletion.
Coding change: c.841del on transcript NM_000478.6 (MANE Select); coding-DNA position 841, one base deleted (C; older notation c.841delC).
Protein change: p.His281fs; shifts the reading frame from histidine 281.
Molecular consequence: frameshift variant.
Genome position (GRCh38, 1-based): chr1:21,570,353, C deleted; the last of 5 consecutive C bases (chr1:21,570,349-21,570,353); deleting any one gives the same sequence. VCF-style (leftmost placement, unchanged base first): chr1-21570348-AC-A. GRCh37 (hg19) VCF-style: chr1-21896841-AC-A.
Other names: c.676del, p.His226fs (NM_001127501.4); c.610del, p.His204fs (NM_001177520.3); c.841del, p.His281fs (NM_001369803.2, NM_001369804.2, NM_001369805.2); short protein forms H204fs, H226fs, H281fs.
Identifiers: ClinVar variation 370489 (VCV000370489.6), dbSNP rs1057516526, ClinGen allele CA16040718.
Genomic context (GRCh38, chr1:21,570,348, plus strand): 5'-ACAGCCCTTCCTCCTAGCACTCCCACTTCATCTGGAACCGCACGGAACTCCTGACCCTTG[AC>A]CCCCACAATGTGGACTACCTATTGGGTAAGTGGAGGGGGTGGAGGGGAGGATGCATGGCT-3'

ClinVar aggregate classification (germline): Pathogenic. Review status: criteria provided, single submitter (1 of 4 stars). 2 submissions from 2 submitters: Pathogenic (1). 1 of the submissions does not count toward it. Last evaluated 2023-06-16.

Conditions:
Infantile hypophosphatasia. Identifiers: Orphanet 247651, Orphanet 436, MedGen C0268412, MONDO:1010169, OMIM 241500, MONDO:0009427.

Submissions (2):

Labcorp Genetics (formerly Invitae), Labcorp
Classification: Pathogenic. Last evaluated: 2023-06-16. Review status: criteria provided, single submitter. Criteria: Invitae Variant Classification Sherloc (09022015). Collection method: clinical testing. Allele origin: germline.
Comment: This sequence change creates a premature translational stop signal (p.His281Thrfs*19) in the ALPL gene. It is expected to result in an absent or disrupted protein product. Loss-of-function variants in ALPL are known to be pathogenic (PMID: 3174660, 10679946, 32973344, 33814268). This variant is not present in population databases (gnomAD no frequency). This variant has not been reported in the literature in individuals affected with ALPL-related conditions. ClinVar contains an entry for this variant (Variation ID: 370489). For these reasons, this variant has been classified as Pathogenic.

Counsyl
Classification: Likely pathogenic for Infantile hypophosphatasia. Last evaluated: 2016-02-18. Review status: no assertion criteria provided. Collection method: clinical testing. Allele origin: unknown. Not counted in ClinVar's aggregate classification.

Literature cited by the submitters: PubMed 3174660 (cited by Labcorp Genetics (formerly Invitae), Labcorp); PubMed 10679946 (cited by Labcorp Genetics (formerly Invitae), Labcorp); PubMed 32973344 (cited by Labcorp Genetics (formerly Invitae), Labcorp); PubMed 33814268 (cited by Labcorp Genetics (formerly Invitae), Labcorp).